The following is an entry in ClinVar:

ClinVar aggregate classification (germline): Uncertain significance (1 of 4 stars; one submission).

Conditions:
Glycine encephalopathy. Also called: Non-ketotic hyperglycinemia; Nonketotic hyperglycinemia. Identifiers: Orphanet 407, MedGen C0751748, MONDO:0011612, HP:0008288.

Allele frequency attached by ClinVar (database versions not stated): gnomAD exomes below 0.00001.
gnomAD v4.1: 1 of 1,614,154 alleles (0.000062%); highest among the groups gnomAD compares: Non-Finnish European, 0.000085%; no homozygotes.

Submission:

Labcorp Genetics (formerly Invitae), Labcorp
Classification: Uncertain significance for Glycine encephalopathy. Last evaluated: 2025-09-02. Review status: criteria provided, single submitter. Criteria: Invitae Variant Classification Sherloc (09022015). Collection method: clinical testing. Allele origin: germline.
Comment: This sequence change replaces alanine, which is neutral and non-polar, with threonine, which is neutral and polar, at codon 683 of the GLDC protein (p.Ala683Thr). This variant is not present in population databases (gnomAD no frequency). This variant has not been reported in the literature in individuals affected with GLDC-related conditions. ClinVar contains an entry for this variant (Variation ID: 1447127). Invitae Evidence Modeling of protein sequence and biophysical properties (such as structural, functional, and spatial information, amino acid conservation, physicochemical variation, residue mobility, and thermodynamic stability) indicates that this missense variant is not expected to disrupt GLDC protein function with a negative predictive value of 80%. In summary, the available evidence is currently insufficient to determine the role of this variant in disease. Therefore, it has been classified as a Variant of Uncertain Significance.

NM_000170.3(GLDC):c.2047G>A (p.Ala683Thr)

Gene: GLDC (glycine decarboxylase; minus strand). Cytogenetic location: 9p24.1.
Variant type: single nucleotide variant.
Coding change: c.2047G>A on transcript NM_000170.3 (MANE Select); coding-DNA position 2047, G replaced by A.
Protein change: p.Ala683Thr; replaces alanine 683 with threonine.
Molecular consequence: missense variant.
Genome position (GRCh38, 1-based): chr9:6,558,564, C>T on the plus strand (G>A on the coding strand, the complement: GLDC is on the minus strand). VCF-style: chr9-6558564-C-T. GRCh37 (hg19) VCF-style: chr9-6558564-C-T.
Other names: short protein forms A683T.
Identifiers: ClinVar variation 1447127 (VCV001447127.4), dbSNP rs2129734759, ClinGen allele CA372881814.